The following is an entry in ClinVar:

NM_001379610.1(SPINK1):c.195-3C>T

Gene: SPINK1 (serine peptidase inhibitor Kazal type 1; minus strand). Cytogenetic location: 5q32.
Variant type: single nucleotide variant.
Coding change: c.195-3C>T on transcript NM_001379610.1 (MANE Select); 3 bases into the intron before coding-DNA position 195, C replaced by T.
Molecular consequence: intron variant.
Genome position (GRCh38, 1-based): chr5:147,824,709, G>A on the plus strand (C>T on the coding strand, the complement: SPINK1 is on the minus strand). VCF-style: chr5-147824709-G-A. GRCh37 (hg19) VCF-style: chr5-147204272-G-A.
Other names: c.195-3C>T (NM_003122.5, NM_001354966.2).
Identifiers: ClinVar variation 4865004 (VCV004865004.1).
Genomic context (GRCh38, chr5:147,824,709, plus strand): 5'-AAACCTTGGTTCTCAGCAAGGCCCAGATTTTTGAATGAGGATAGAAGTCTGGCGTTTCCT[G>A]CAGTAGAGATTAAAAAAAATATATCAGCTTAAACTTCACTGATGAAAAAGTGACTATGGG-3'

ClinVar aggregate classification (germline): Uncertain significance (1 of 4 stars; one submission).

Conditions:
Hereditary pancreatitis (PCTT). Also called: Hereditary chronic pancreatitis; PRSS1-Related Hereditary Pancreatitis. Identifiers: Orphanet 676, MedGen C0238339, MONDO:0008185, OMIM 167800.

Submission:

Ambry Genetics
Classification: Uncertain significance for Hereditary pancreatitis. Last evaluated: 2026-05-13. Review status: criteria provided, single submitter. Criteria: Ambry Variant Classification Scheme 2023. Collection method: clinical testing. Allele origin: germline.
Comment: The c.195-3C>T intronic variant results from a C to T substitution 3 nucleotides upstream from coding exon 4 in the SPINK1 gene. This nucleotide position is well conserved in available vertebrate species. In silico splice site analysis predicts that this alteration will not have any significant effect on splicing. Based on the available evidence, the clinical significance of this variant remains unclear.